The following is an entry in ClinVar:

ClinVar aggregate classification (germline): Uncertain significance (1 of 4 stars; one submission).

Conditions:
Hereditary cancer-predisposing syndrome. Also called: Neoplastic Syndromes, Hereditary; Tumor predisposition; Hereditary Cancer Syndrome; Hereditary neoplastic syndrome. Identifiers: Orphanet 140162, MedGen C0027672, MeSH D009386, MONDO:0015356.
Cardiovascular phenotype. Identifiers: MedGen CN230736.

Submission:

Ambry Genetics
Classification: Uncertain significance for Cardiovascular phenotype; Hereditary cancer-predisposing syndrome. Last evaluated: 2022-03-16. Review status: criteria provided, single submitter. Criteria: Ambry Variant Classification Scheme 2023. Collection method: clinical testing. Allele origin: germline.
Comment: The p.K2407Q variant (also known as c.7219A>C), located in coding exon 48 of the NF1 gene, results from an A to C substitution at nucleotide position 7219. The lysine at codon 2407 is replaced by glutamine, an amino acid with similar properties. This amino acid position is conserved. In addition, this alteration is predicted to be tolerated by in silico analysis. Since supporting evidence is limited at this time, the clinical significance of this alteration remains unclear.

NM_001042492.3(NF1):c.7282A>C (p.Lys2428Gln)

Gene: NF1 (neurofibromin 1; plus strand). Cytogenetic location: 17q11.2.
Variant type: single nucleotide variant.
Coding change: c.7282A>C on transcript NM_001042492.3 (MANE Select); coding-DNA position 7282, A replaced by C.
Protein change: p.Lys2428Gln; replaces lysine 2428 with glutamine.
Molecular consequence: missense variant.
Genome position (GRCh38, 1-based): chr17:31,349,212, A>C. VCF-style: chr17-31349212-A-C. GRCh37 (hg19) VCF-style: chr17-29676230-A-C.
Other names: c.7219A>C, p.Lys2407Gln (NM_000267.4); short protein forms K2407Q, K2428Q.
Identifiers: ClinVar variation 1757748 (VCV001757748.2), dbSNP rs2151572818, ClinGen allele CA399016843.
Genomic context (GRCh38, chr17:31,349,212, plus strand): 5'-AGAACAGTCAGAATTTTACATACACTACTAACTCTGGTTAACAAACACAGAAATTGTGAC[A>C]AATTTGAAGTGAATACACAGAGCGTGGCCTACTTAGCAGGTAAAAACACAAAATAAACAA-3'
Protein context (NP_001035957.1, residues 2418-2438): TLVNKHRNCD[Lys2428Gln]FEVNTQSVAY